The following is an entry in ClinVar:

NM_000268.4(NF2):c.1652T>C (p.Leu551Pro)

Gene: NF2 (NF2, moesin-ezrin-radixin like (MERLIN) tumor suppressor; plus strand). Cytogenetic location: 22q12.2.
Variant type: single nucleotide variant.
Coding change: c.1652T>C on transcript NM_000268.4 (MANE Select); coding-DNA position 1652, T replaced by C.
Protein change: p.Leu551Pro; replaces leucine 551 with proline.
Molecular consequence: missense variant. On other transcripts: intron variant (3).
Genome position (GRCh38, 1-based): chr22:29,681,516, T>C. VCF-style: chr22-29681516-T-C. GRCh37 (hg19) VCF-style: chr22-30077505-T-C.
Other names: c.1538T>C, p.Leu513Pro (NM_001407053.1, NM_001407056.1); c.1529T>C, p.Leu510Pro (NM_001407054.1, NM_001407058.1, NM_181829.3); c.1526T>C, p.Leu509Pro (NM_001407055.1, NM_181828.3); c.1517T>C, p.Leu506Pro (NM_001407057.1, NM_001407059.1); c.1394T>C, p.Leu465Pro (NM_001407062.1); c.1403T>C, p.Leu468Pro (NM_001407063.1, NM_181830.3, NM_181831.3); c.1118T>C, p.Leu373Pro (NM_001407065.1); c.1652T>C, p.Leu551Pro (NM_001407066.1, NM_016418.5, NM_181825.3 and 1 more transcripts); and 4 more; short protein forms L509P, L510P, L551P, L468P, L474P, L506P, L465P, L373P.
Identifiers: ClinVar variation 3919130 (VCV003919130.1).
Genomic context (GRCh38, chr22:29,681,516, plus strand): 5'-AGAGCAAGCATCTGCAGGAGCAGCTCAATGAACTCAAGACAGAAATCGAGGCCTTGAAAC[T>C]GAAAGAGAGGGAGACAGCTCTGGATATTCTGCACAATGAGAACTCCGACAGGGGTGGCAG-3'
Protein context (NP_000259.1, residues 541-561): ELKTEIEALK[Leu551Pro]KERETALDIL

ClinVar aggregate classification (germline): Uncertain significance (1 of 4 stars; one submission).

Conditions:
Hereditary cancer-predisposing syndrome. Also called: Hereditary Cancer Syndrome; Hereditary neoplastic syndrome; Neoplastic Syndromes, Hereditary; Tumor predisposition. Identifiers: Orphanet 140162, MedGen C0027672, MeSH D009386, MONDO:0015356.

Submission:

Ambry Genetics
Classification: Uncertain significance for Hereditary cancer-predisposing syndrome. Last evaluated: 2025-04-02. Review status: criteria provided, single submitter. Criteria: Ambry Variant Classification Scheme 2023. Collection method: clinical testing. Allele origin: germline.
Comment: The p.L551P variant (also known as c.1652T>C), located in coding exon 15 of the NF2 gene, results from a T to C substitution at nucleotide position 1652. The leucine at codon 551 is replaced by proline, an amino acid with similar properties. This amino acid position is conserved. In addition, the in silico prediction for this alteration is inconclusive. Based on the available evidence, the clinical significance of this variant remains unclear.